The following is an entry in ClinVar:

NM_022455.5(NSD1):c.887C>G (p.Pro296Arg)

Gene: NSD1 (nuclear receptor binding SET domain protein 1; plus strand). Cytogenetic location: 5q35.3.
Variant type: single nucleotide variant.
Coding change: c.887C>G on transcript NM_022455.5 (MANE Select); coding-DNA position 887, C replaced by G.
Protein change: p.Pro296Arg; replaces proline 296 with arginine.
Molecular consequence: missense variant.
Genome position (GRCh38, 1-based): chr5:177,135,990, C>G. VCF-style: chr5-177135990-C-G. GRCh37 (hg19) VCF-style: chr5-176562991-C-G.
Other names: c.887C>G, p.Pro296Arg (NM_001409303.1, NM_001409301.1, NM_001409302.1); c.467C>G, p.Pro156Arg (NM_001409304.1); c.14C>G, p.Pro5Arg (NM_001409305.1, NM_001409306.1, NM_001409307.1 and 4 more transcripts); short protein forms P296R, P27R, P156R, P5R.
Identifiers: ClinVar variation 588955 (VCV000588955.10), dbSNP rs1189702665, ClinGen allele CA16040433.

ClinVar aggregate classification (germline): Conflicting classifications of pathogenicity. Review status: criteria provided, conflicting classifications (1 of 4 stars). 2 submissions from 2 submitters: Uncertain significance (1); Likely benign (1). Last evaluated 2025-04-17.

Conditions:
Inborn genetic diseases. Identifiers: MedGen C0950123, MeSH D030342.

Allele frequency attached by ClinVar (database versions not stated): gnomAD exomes below 0.00001; TOPMed 0.00001.
gnomAD v4.1: 10 of 1,614,054 alleles (0.00062%); highest among the groups gnomAD compares: Non-Finnish European, 0.00068%; no homozygotes.

Submissions (2):

Labcorp Genetics (formerly Invitae), Labcorp
Classification: Likely benign. Last evaluated: 2025-04-17. Review status: criteria provided, single submitter. Criteria: Invitae Variant Classification Sherloc (09022015). Collection method: clinical testing. Allele origin: germline.

Ambry Genetics
Classification: Uncertain significance for Inborn genetic diseases. Last evaluated: 2018-06-25. Review status: criteria provided, single submitter. Criteria: Ambry Variant Classification Scheme 2023. Collection method: clinical testing. Allele origin: germline.
Comment: The p.P296R variant (also known as c.887C>G), located in coding exon 1 of the NSD1 gene, results from a C to G substitution at nucleotide position 887. The proline at codon 296 is replaced by arginine, an amino acid with dissimilar properties. This amino acid position is highly conserved in available vertebrate species. In addition, the in silico prediction for this alteration is inconclusive. Since supporting evidence is limited at this time, the clinical significance of this alteration remains unclear.